The following is an entry in ClinVar:

NM_012233.3(RAB3GAP1):c.419_420del (p.Leu140fs)

Gene: RAB3GAP1 (RAB3 GTPase activating protein catalytic subunit 1; plus strand). Cytogenetic location: 2q21.3.
Variant type: Microsatellite.
Coding change: c.419_420del on transcript NM_012233.3 (MANE Select); coding-DNA positions 419 to 420, 2 bases deleted (TC; older notation c.419_420delTC).
Protein change: p.Leu140fs; shifts the reading frame from leucine 140.
Molecular consequence: frameshift variant.
Genome position (GRCh38, 1-based): chr2:135,113,207-135,113,208, TC deleted; deleting any 2 consecutive bases within chr2:135,113,205-135,113,208 gives the same sequence; the c. name uses the placement nearest the transcript's 3' end. VCF-style (leftmost placement, unchanged base first): chr2-135113204-TTC-T. GRCh37 (hg19) VCF-style: chr2-135870774-TTC-T.
Other names: c.419_420del, p.Leu140fs (NM_001172435.2); short protein forms L140fs.
Identifiers: ClinVar variation 3377693 (VCV003377693.1).
Genomic context (GRCh38, chr2:135,113,204, plus strand): 5'-TTTTAAGGTATGGGCTACGTGAGTTCGTGGTGATTGCCCCTGCTGCACACAGTGACGCTG[TTC>T]TCAGCGAATCTAAGTGCAACCTTCTTCTGAGTTCTGTTTCTATTGCCTTGGGAAACACTG-3'

ClinVar aggregate classification (germline): Likely pathogenic (1 of 4 stars; one submission).

Conditions:
Warburg micro syndrome 1 (WARBM1). Identifiers: Orphanet 2510, MedGen C1838625, MONDO:0010822, OMIM 600118.

Submission:

Neuberg Centre For Genomic Medicine, NCGM
Classification: Likely pathogenic for Warburg micro syndrome 1. Review status: criteria provided, single submitter. Criteria: ACMG Guidelines, 2015. Collection method: clinical testing. Allele origin: germline. Inheritance: Autosomal recessive inheritance. Affected: yes.
Comment: The observed frameshift variant c.419_420del(p.Leu140GlnfsTer4) in the RAB3GAP1 gene has not been reported previously as a pathogenic variant nor as a benign variant, to our knowledge. This variant is absent in the gnomAD Exomes. This variant causes a frameshift starting with codon Leucine 140, changes this amino acid to Glutamine residue, and creates a premature Stop codon at position 4 of the new reading frame, denoted p.Leu140GlnfsTer4. This variant is predicted to cause loss of normal protein function through protein truncation. Loss of function variants have been previously reported to be disease causing (Zhou D, et al., 2021). For these reasons, this variant has been classified as Likely Pathogenic.